The following is an entry in ClinVar:

NM_183050.4(BCKDHB):c.525dup (p.Asn176Ter)

Gene: BCKDHB (branched chain keto acid dehydrogenase E1 subunit beta; plus strand). Cytogenetic location: 6q14.1.
Variant type: Duplication.
Coding change: c.525dup on transcript NM_183050.4 (MANE Select); coding-DNA position 525, one base duplicated (T; older notation c.525dupT).
Protein change: p.Asn176Ter; replaces asparagine 176 with a stop codon.
Molecular consequence: nonsense. On other transcripts: non-coding transcript variant (1).
Genome position (GRCh38, 1-based): chr6:80,168,922, T duplicated; the last of 5 consecutive T bases (chr6:80,168,918-80,168,922); duplicating any one gives the same sequence. VCF-style (leftmost placement, unchanged base first): chr6-80168917-C-CT. GRCh37 (hg19) VCF-style: chr6-80878634-C-CT.
Other names: c.525dup, p.Asn176Ter (NM_000056.5); c.315dup, p.Asn106Ter (NM_001318975.1); short protein forms N176*, N106*.
Identifiers: ClinVar variation 1413124 (VCV001413124.6), dbSNP rs2127775550, ClinGen allele CA2573141188.

ClinVar aggregate classification (germline): Pathogenic (1 of 4 stars; one submission).

Conditions:
Maple syrup urine disease (MSUD). Identifiers: Orphanet 511, MedGen C0024776, MeSH D008375, MONDO:0009563. Disease mechanism: loss of function.

Submission:

Labcorp Genetics (formerly Invitae), Labcorp
Classification: Pathogenic for Maple syrup urine disease. Last evaluated: 2020-11-05. Review status: criteria provided, single submitter. Criteria: Invitae Variant Classification Sherloc (09022015). Collection method: clinical testing. Allele origin: germline.
Comment: This sequence change creates a premature translational stop signal (p.Asn176*) in the BCKDHB gene. It is expected to result in an absent or disrupted protein product. Loss-of-function variants in BCKDHB are known to be pathogenic (PMID: 16786533, 22593002). This variant is not present in population databases (ExAC no frequency). This variant has not been reported in the literature in individuals with BCKDHB-related conditions. For these reasons, this variant has been classified as Pathogenic.

Literature cited by the submitters: PubMed 16786533; PubMed 22593002.